The following is an entry in ClinVar:

NM_002202.3(ISL1):c.823G>A (p.Gly275Ser)

Gene: ISL1 (ISL LIM homeobox 1; plus strand). Cytogenetic location: 5q11.1.
Variant type: single nucleotide variant.
Coding change: c.823G>A on transcript NM_002202.3 (MANE Select); coding-DNA position 823, G replaced by A.
Protein change: p.Gly275Ser; replaces glycine 275 with serine.
Molecular consequence: missense variant.
Genome position (GRCh38, 1-based): chr5:51,391,331, G>A. VCF-style: chr5-51391331-G-A. GRCh37 (hg19) VCF-style: chr5-50687165-G-A.
Other names: short protein forms G275S.
Identifiers: ClinVar variation 3358616 (VCV003358616.1).

ClinVar aggregate classification (germline): Uncertain significance (0 of 4 stars; one submission).

Conditions:
ISL1-related disorder. Also called: ISL1-related condition.

gnomAD v4.1: 17 of 1,613,770 alleles (0.0011%); highest among the groups gnomAD compares: South Asian, 0.0022%; no homozygotes.

Submission:

PreventionGenetics, part of Exact Sciences
Classification: Uncertain significance for ISL1-related condition. Last evaluated: 2024-03-12. Review status: no assertion criteria provided. Collection method: clinical testing. Allele origin: germline.
Comment: The ISL1 c.823G>A variant is predicted to result in the amino acid substitution p.Gly275Ser. To our knowledge, this variant has not been reported in the literature. This variant is reported in 0.0065% of alleles in individuals of African descent in gnomAD. At this time, the clinical significance of this variant is uncertain due to the absence of conclusive functional and genetic evidence.